The following is an entry in ClinVar:

NM_005560.6(LAMA5):c.7605C>T (p.Ala2535=)

Gene: LAMA5 (laminin subunit alpha 5; minus strand). Cytogenetic location: 20q13.33.
Variant type: single nucleotide variant.
Coding change: c.7605C>T on transcript NM_005560.6 (MANE Select); coding-DNA position 7605, C replaced by T.
Protein change: p.Ala2535=; no amino-acid change (alanine 2535 retained).
Molecular consequence: synonymous variant.
Genome position (GRCh38, 1-based): chr20:62,316,930, G>A on the plus strand (C>T on the coding strand, the complement: LAMA5 is on the minus strand). VCF-style: chr20-62316930-G-A. GRCh37 (hg19) VCF-style: chr20-60891986-G-A.
Other names: c.7605C>T (NM_005560.4).
Identifiers: ClinVar variation 2069558 (VCV002069558.6), dbSNP rs41296211, ClinGen allele CA9941147.

ClinVar aggregate classification (germline): Likely benign. Review status: criteria provided, single submitter (1 of 4 stars). 2 submissions from 2 submitters: Likely benign (1). 1 of the submissions does not count toward it. Last evaluated 2025-09-15.

Conditions:
LAMA5-related disorder. Also called: LAMA5-Related Disorders; LAMA5-related condition.

gnomAD v4.1: 144 of 1,556,908 alleles (0.0092%); highest among the groups gnomAD compares: African/African-American, 0.11%; no homozygotes.

Submissions (2):

Labcorp Genetics (formerly Invitae), Labcorp
Classification: Likely benign. Last evaluated: 2025-09-15. Review status: criteria provided, single submitter. Criteria: Invitae Variant Classification Sherloc (09022015). Collection method: clinical testing. Allele origin: germline.

PreventionGenetics, part of Exact Sciences
Classification: Likely benign for LAMA5-related condition. Last evaluated: 2019-08-09. Review status: no assertion criteria provided. Collection method: clinical testing. Allele origin: germline. Not counted in ClinVar's aggregate classification.
Comment: This variant is classified as likely benign based on ACMG/AMP sequence variant interpretation guidelines (Richards et al. 2015 PMID: 25741868, with internal and published modifications).